The following is an entry in ClinVar:

NM_005660.3(SLC35A2):c.162C>A (p.Ile54=)

Gene: SLC35A2 (solute carrier family 35 member A2; minus strand). Cytogenetic location: Xp11.23.
Variant type: single nucleotide variant.
Coding change: c.162C>A on transcript NM_005660.3 (MANE Select); coding-DNA position 162, C replaced by A.
Protein change: p.Ile54=; no amino-acid change (isoleucine 54 retained).
Molecular consequence: synonymous variant. On other transcripts: intron variant (1).
Genome position (GRCh38, 1-based): chrX:48,909,926, G>T on the plus strand (C>A on the coding strand, the complement: SLC35A2 is on the minus strand). VCF-style: chrX-48909926-G-T. GRCh37 (hg19) VCF-style: chrX-48767203-G-T.
Other names: c.162C>A, p.Ile54= (NM_001032289.3, NM_001042498.3, NM_001282647.2); c.90C>A, p.Ile30= (NM_001282648.2); c.201C>A, p.Ile67= (NM_001282650.2); c.246C>A, p.Ile82= (NM_001282651.2); c.91+1620C>A (NM_001282649.2).
Identifiers: ClinVar variation 3252200 (VCV003252200.1), dbSNP rs782174663.

ClinVar aggregate classification (germline): Uncertain significance (1 of 4 stars; one submission).

Submission:

GeneDx
Classification: Uncertain significance. Last evaluated: 2023-06-13. Review status: criteria provided, single submitter. Criteria: GeneDx Variant Classification Process June 2021. Collection method: clinical testing. Allele origin: germline. Affected: yes.
Comment: Not observed at significant frequency in large population cohorts (gnomAD); In silico analysis supports that this variant does not alter splicing; Has not been previously published as pathogenic or benign to our knowledge